The following is an entry in ClinVar:

NM_178424.2(SOX30):c.830G>A (p.Gly277Glu)

Gene: SOX30 (SRY-box transcription factor 30; minus strand). Cytogenetic location: 5q33.3.
Variant type: single nucleotide variant.
Coding change: c.830G>A on transcript NM_178424.2 (MANE Select); coding-DNA position 830, G replaced by A.
Protein change: p.Gly277Glu; replaces glycine 277 with glutamic acid.
Molecular consequence: missense variant. On other transcripts: intron variant (1).
Genome position (GRCh38, 1-based): chr5:157,651,249, C>T on the plus strand (G>A on the coding strand, the complement: SOX30 is on the minus strand). VCF-style: chr5-157651249-C-T. GRCh37 (hg19) VCF-style: chr5-157078257-C-T.
Other names: c.830G>A, p.Gly277Glu (NM_007017.3); c.53-2353G>A (NM_001308165.2); short protein forms G277E.
Identifiers: ClinVar variation 2406597 (VCV002406597.4), dbSNP rs373290874, ClinGen allele CA3536003.

ClinVar aggregate classification (germline): Uncertain significance. Review status: criteria provided, single submitter (1 of 4 stars). 2 submissions from 2 submitters: Uncertain significance (1). 1 of the submissions does not count toward it. Last evaluated 2025-06-10.

Conditions:
SOX30-related male infertility.

Allele frequency attached by ClinVar (database versions not stated): gnomAD exomes 0.00005; ExAC 0.00006; ESP Exome Variant Server 0.00008; TOPMed 0.00008; gnomAD 0.00011.

Submissions (2):

Ambry Genetics
Classification: Uncertain significance. Last evaluated: 2025-06-10. Review status: criteria provided, single submitter. Criteria: Ambry Variant Classification Scheme 2023. Collection method: clinical testing. Allele origin: germline.

Comprehensive Genetics Center Lab, Royan Institute
Classification: Likely pathogenic for SOX30-related male infertility. Last evaluated: 2026-09-23. Review status: no assertion criteria provided. Collection method: clinical testing. Allele origin: paternal. Inheritance: Autosomal recessive inheritance. Affected: yes. Observed: 1 variant allele, 1 compound heterozygote. Not counted in ClinVar's aggregate classification.
Comment: p.Gly277Glu affects a conserved residue near the SOX30 HMG DNA-binding domain.

Literature cited by the submitters: PubMed 41269228 (cited by Comprehensive Genetics Center Lab, Royan Institute).